The following is an entry in ClinVar:

NM_001267550.2(TTN):c.90870C>T (p.Val30290=)

Genes: TTN (titin; minus strand), TTN-AS1 (TTN antisense RNA 1; plus strand). Cytogenetic location: 2q31.2.
Variant type: single nucleotide variant.
Coding change: c.90870C>T on transcript NM_001267550.2 (MANE Select); coding-DNA position 90870, C replaced by T.
Protein change: p.Val30290=; no amino-acid change (valine 30290 retained).
Molecular consequence: synonymous variant.
Genome position (GRCh38, 1-based): chr2:178,552,030, G>A on the plus strand (C>T on the coding strand, the complement: TTN is on the minus strand). VCF-style: chr2-178552030-G-A. GRCh37 (hg19) VCF-style: chr2-179416757-G-A.
Other names: p.V28649V:GTC>GTT; c.85947C>T, p.Val28649= (NM_001256850.1); c.63675C>T, p.Val21225= (NM_003319.4); c.83166C>T, p.Val27722= (NM_133378.4); c.64050C>T, p.Val21350= (NM_133432.3); c.64251C>T, p.Val21417= (NM_133437.4).
Identifiers: ClinVar variation 202970 (VCV000202970.11), dbSNP rs794729527, ClinGen allele CA310846.

ClinVar aggregate classification (germline): Conflicting classifications of pathogenicity. Review status: criteria provided, conflicting classifications (1 of 4 stars). 3 submissions from 3 submitters: Uncertain significance (1); Likely benign (2). Last evaluated 2025-12-08.

Conditions:
Dilated cardiomyopathy 1G (CMD1G). Identifiers: Orphanet 154, MedGen C1858763, MONDO:0011400, OMIM 604145.
Autosomal recessive limb-girdle muscular dystrophy type 2J (LGMDR10). Also called: MUSCULAR DYSTROPHY, LIMB-GIRDLE, AUTOSOMAL RECESSIVE 10; Limb-girdle muscular dystrophy, type 2J. Identifiers: Orphanet 140922, MedGen C1837342, MONDO:0012127, OMIM 608807.
Cardiovascular phenotype. Identifiers: MedGen CN230736.

Allele frequency attached by ClinVar (database versions not stated): gnomAD exomes below 0.00001.

Submissions (3):

Labcorp Genetics (formerly Invitae), Labcorp
Classification: Likely benign for Dilated cardiomyopathy 1G; Autosomal recessive limb-girdle muscular dystrophy type 2J. Last evaluated: 2025-12-08. Review status: criteria provided, single submitter. Criteria: Invitae Variant Classification Sherloc (09022015). Collection method: clinical testing. Allele origin: germline.

Ambry Genetics
Classification: Likely benign for Cardiovascular phenotype. Last evaluated: 2022-11-15. Review status: criteria provided, single submitter. Criteria: Ambry Variant Classification Scheme 2023. Collection method: clinical testing. Allele origin: germline.

GeneDx
Classification: Uncertain significance. Last evaluated: 2014-03-20. Review status: criteria provided, single submitter. Criteria: GeneDx Variant Classification (06012015). Collection method: clinical testing. Allele origin: germline. Affected: yes.
Comment: Missense variants in the TTN gene are considered 'unclassified' if they are not previously reported in the literature and do not have >1% frequency in the population to be considered a polymorphism. Research indicates that truncating mutations in the TTN gene are expected to account for approximately 25% of familial and 18% of sporadic idiopathic DCM; however, truncating variants in the TTN gene have been reported in approximately 3% of reported control alleles. There has been little investigation into non-truncating variants. (Herman D et al. Truncations of titin causing dilated cardiomyopathy. N Eng J Med 366:619-628, 2012) The variant is found in CARDIOMYOPATHY panel(s).